The following is an entry in ClinVar:

ClinVar aggregate classification (germline): Benign/Likely benign. Review status: criteria provided, multiple submitters, no conflicts (2 of 4 stars). 3 submissions from 3 submitters: Benign (1); Likely benign (2). Last evaluated 2025-08-07.

Conditions:
Familial thoracic aortic aneurysm and aortic dissection (TAAD). Also called: Thoracic aortic aneurysms and dissections. Identifiers: Orphanet 91387, MedGen C4707243, MONDO:0019625.
Adams-Oliver syndrome 5 (AOS5). Identifiers: Orphanet 974, MedGen C4014970, MONDO:0014459, OMIM 616028.

gnomAD v4.1: 2 of 1,612,338 alleles (0.00012%); highest among the groups gnomAD compares: East Asian, 0.0022%; no homozygotes.

Submissions (3):

Mayo Clinic Laboratories, Mayo Clinic
Classification: Likely benign. Last evaluated: 2025-08-07. Review status: criteria provided, single submitter. Criteria: ACMG Guidelines, 2015. Collection method: clinical testing. Allele origin: germline. Observed: 1 variant allele.
Comment: BP4, BP7

Labcorp Genetics (formerly Invitae), Labcorp
Classification: Benign for Adams-Oliver syndrome 5. Last evaluated: 2024-06-11. Review status: criteria provided, single submitter. Criteria: Invitae Variant Classification Sherloc (09022015). Collection method: clinical testing. Allele origin: germline.

Ambry Genetics
Classification: Likely benign for Familial thoracic aortic aneurysm and aortic dissection. Last evaluated: 2024-06-03. Review status: criteria provided, single submitter. Criteria: Ambry Variant Classification Scheme 2023. Collection method: clinical testing. Allele origin: germline.

NM_017617.5(NOTCH1):c.5280C>T (p.Arg1760=)

Gene: NOTCH1 (notch receptor 1; minus strand). Cytogenetic location: 9q34.3.
Variant type: single nucleotide variant.
Coding change: c.5280C>T on transcript NM_017617.5 (MANE Select); coding-DNA position 5280, C replaced by T.
Protein change: p.Arg1760=; no amino-acid change (arginine 1760 retained).
Molecular consequence: synonymous variant.
Genome position (GRCh38, 1-based): chr9:136,502,376, G>A on the plus strand (C>T on the coding strand, the complement: NOTCH1 is on the minus strand). VCF-style: chr9-136502376-G-A. GRCh37 (hg19) VCF-style: chr9-139396828-G-A.
Other names: p.Arg1760=.
Identifiers: ClinVar variation 3300471 (VCV003300471.4).